The following is an entry in ClinVar:

ClinVar aggregate classification (germline): Likely benign. Review status: criteria provided, multiple submitters, no conflicts (2 of 4 stars). 4 submissions from 4 submitters: Likely benign (4). Last evaluated 2025-10-26.

Allele frequency attached by ClinVar (database versions not stated): ESP Exome Variant Server 0.00008; gnomAD 0.00009 and 0.00013; gnomAD exomes 0.00013 and 0.00022; 1000 Genomes Project 30x 0.00016; TOPMed 0.00016; 1000 Genomes Project 0.00020; ExAC 0.00022.
gnomAD v4.1: 218 of 1,613,934 alleles (0.014%); highest among the groups gnomAD compares: South Asian, 0.1%; 2 homozygotes.

Submissions (4):

Labcorp Genetics (formerly Invitae), Labcorp
Classification: Likely benign. Last evaluated: 2025-10-26. Review status: criteria provided, single submitter. Criteria: Invitae Variant Classification Sherloc (09022015). Collection method: clinical testing. Allele origin: germline.

Blueprint Genetics
Classification: Likely benign. Last evaluated: 2024-10-11. Review status: criteria provided, single submitter. Criteria: ACMG Guidelines, 2015. Collection method: clinical testing. Allele origin: germline.

CeGaT Center for Human Genetics Tuebingen
Classification: Likely benign. Last evaluated: 2023-02-01. Review status: criteria provided, single submitter. Criteria: CeGaT Center For Human Genetics Tuebingen Variant Classification Criteria Version 2. Collection method: clinical testing. Allele origin: germline. Affected: yes. Observed: 1 variant allele.
Comment: FAT1: BP4, BP7

Breakthrough Genomics
Classification: Likely benign. Review status: criteria provided, single submitter. Criteria: ACMG Guidelines, 2015. Collection method: not provided. Allele origin: germline. Inheritance: Unknown mechanism. Affected: yes.

NM_005245.4(FAT1):c.843C>T (p.Cys281=)

Gene: FAT1 (FAT atypical cadherin 1; minus strand). Cytogenetic location: 4q35.2.
Variant type: single nucleotide variant.
Coding change: c.843C>T on transcript NM_005245.4 (MANE Select); coding-DNA position 843, C replaced by T.
Protein change: p.Cys281=; no amino-acid change (cysteine 281 retained).
Molecular consequence: synonymous variant.
Genome position (GRCh38, 1-based): chr4:186,708,985, G>A on the plus strand (C>T on the coding strand, the complement: FAT1 is on the minus strand). VCF-style: chr4-186708985-G-A. GRCh37 (hg19) VCF-style: chr4-187630139-G-A.
Identifiers: ClinVar variation 1536067 (VCV001536067.33), dbSNP rs376291103, ClinGen allele CA3167583.